The following is an entry in ClinVar:

NM_018943.3(TUBA8):c.262C>T (p.His88Tyr)

Gene: TUBA8 (tubulin alpha 8; plus strand). Cytogenetic location: 22q11.21.
Variant type: single nucleotide variant.
Coding change: c.262C>T on transcript NM_018943.3 (MANE Select); coding-DNA position 262, C replaced by T.
Protein change: p.His88Tyr; replaces histidine 88 with tyrosine.
Molecular consequence: missense variant.
Genome position (GRCh38, 1-based): chr22:18,124,191, C>T. VCF-style: chr22-18124191-C-T. GRCh37 (hg19) VCF-style: chr22-18606958-C-T.
Other names: c.64C>T, p.His22Tyr (NM_001193414.2); short protein forms H88Y, H22Y.
Identifiers: ClinVar variation 1524544 (VCV001524544.8), dbSNP rs564482786, ClinGen allele CA321281637.

ClinVar aggregate classification (germline): Uncertain significance (1 of 4 stars; one submission).

Allele frequency attached by ClinVar (database versions not stated): gnomAD exomes below 0.00001; TOPMed below 0.00001; gnomAD 0.00001.

Submission:

Labcorp Genetics (formerly Invitae), Labcorp
Classification: Uncertain significance. Last evaluated: 2021-05-18. Review status: criteria provided, single submitter. Criteria: Invitae Variant Classification Sherloc (09022015). Collection method: clinical testing. Allele origin: germline.
Comment: In summary, the available evidence is currently insufficient to determine the role of this variant in disease. Therefore, it has been classified as a Variant of Uncertain Significance. Algorithms developed to predict the effect of missense changes on protein structure and function (SIFT, PolyPhen-2, Align-GVGD) all suggest that this variant is likely to be disruptive, but these predictions have not been confirmed by published functional studies and their clinical significance is uncertain. This variant has not been reported in the literature in individuals with TUBA8-related conditions. This variant is not present in population databases (ExAC no frequency). This sequence change replaces histidine with tyrosine at codon 88 of the TUBA8 protein (p.His88Tyr). The histidine residue is highly conserved and there is a moderate physicochemical difference between histidine and tyrosine.